The following is an entry in ClinVar:

ClinVar aggregate classification (germline): Pathogenic/Likely pathogenic. Review status: criteria provided, multiple submitters, no conflicts (2 of 4 stars). 2 submissions from 2 submitters: Pathogenic (1); Likely pathogenic (1). Last evaluated 2023-08-30.

Conditions:
Mucopolysaccharidosis type 1. Also called: Mucopolysaccharidosis Type I; IDUA deficiency; MPS I. Identifiers: Orphanet 579, MedGen C0023786, MONDO:0001586.

gnomAD v4.1: 4 of 1,610,886 alleles (0.00025%); highest among the groups gnomAD compares: Non-Finnish European, 0.00034%; no homozygotes.

Submissions (2):

Women's Health and Genetics/Laboratory Corporation of America, LabCorp
Classification: Likely pathogenic for Mucopolysaccharidosis type 1. Last evaluated: 2023-08-30. Review status: criteria provided, single submitter. Criteria: LabCorp Variant Classification Summary - May 2015. Collection method: clinical testing. Allele origin: germline.
Comment: Variant summary: IDUA c.1858G>T (p.Val620Phe) results in a non-conservative amino acid change in the encoded protein sequence. Five of five in-silico tools predict a damaging effect of the variant on protein function. The variant was absent in 248056 control chromosomes (gnomAD). c.1858G>T has been reported in the literature in individuals affected with Mucopolysaccharidosis Type 1 (example: Vazna_2009). These data indicate that the variant may be associated with disease. At least one publication reports experimental evidence evaluating an impact on protein function. The most pronounced variant effect results in <10% of normal activity (example: Vazna_2009). The following publication has been ascertained in the context of this evaluation (PMID: 19396826). One submitter has cited clinical-significance assessments for this variant to ClinVar after 2014 and has classified the variant as pathogenic. Based on the evidence outlined above, the variant was classified as likely pathogenic.

Labcorp Genetics (formerly Invitae), Labcorp
Classification: Pathogenic for Mucopolysaccharidosis type 1. Last evaluated: 2022-02-01. Review status: criteria provided, single submitter. Criteria: Invitae Variant Classification Sherloc (09022015). Collection method: clinical testing. Allele origin: germline.
Comment: ClinVar contains an entry for this variant (Variation ID: 1067173). Advanced modeling of protein sequence and biophysical properties (such as structural, functional, and spatial information, amino acid conservation, physicochemical variation, residue mobility, and thermodynamic stability) performed at Invitae indicates that this missense variant is expected to disrupt IDUA protein function. For these reasons, this variant has been classified as Pathogenic. This sequence change replaces valine, which is neutral and non-polar, with phenylalanine, which is neutral and non-polar, at codon 620 of the IDUA protein (p.Val620Phe). This variant is not present in population databases (gnomAD no frequency). This missense change has been observed in individual(s) with IDUA-related conditions (PMID: 19396826). In at least one individual the data is consistent with being in trans (on the opposite chromosome) from a pathogenic variant.

Literature cited by the submitters: PubMed 19396826 (cited by Women's Health and Genetics/Laboratory Corporation of America, LabCorp and Labcorp Genetics (formerly Invitae), Labcorp).

NM_000203.5(IDUA):c.1858G>T (p.Val620Phe)

Gene: IDUA (alpha-L-iduronidase; plus strand). Cytogenetic location: 4p16.3.
Variant type: single nucleotide variant.
Coding change: c.1858G>T on transcript NM_000203.5 (MANE Select); coding-DNA position 1858, G replaced by T.
Protein change: p.Val620Phe; replaces valine 620 with phenylalanine.
Molecular consequence: missense variant. On other transcripts: non-coding transcript variant (1).
Genome position (GRCh38, 1-based): chr4:1,004,289, G>T. VCF-style: chr4-1004289-G-T. GRCh37 (hg19) VCF-style: chr4-998077-G-T.
Other names: c.1858G>T (NM_000203.4); c.1462G>T, p.Val488Phe (NM_001363576.1); short protein forms V488F, V620F.
Identifiers: ClinVar variation 1067173 (VCV001067173.10), dbSNP rs2153023278, ClinGen allele CA355965934.